The following is an entry in ClinVar:

NM_014423.4(AFF4):c.2715G>A (p.Lys905=)

Gene: AFF4 (ALF transcription elongation factor 4; minus strand). Cytogenetic location: 5q31.1.
Variant type: single nucleotide variant.
Coding change: c.2715G>A on transcript NM_014423.4 (MANE Select); coding-DNA position 2715, G replaced by A.
Protein change: p.Lys905=; no amino-acid change (lysine 905 retained).
Molecular consequence: synonymous variant.
Genome position (GRCh38, 1-based): chr5:132,889,096, C>T on the plus strand (G>A on the coding strand, the complement: AFF4 is on the minus strand). VCF-style: chr5-132889096-C-T. GRCh37 (hg19) VCF-style: chr5-132224788-C-T.
Identifiers: ClinVar variation 3356109 (VCV003356109.1).

ClinVar aggregate classification (germline): Likely benign (0 of 4 stars; one submission).

Conditions:
AFF4-related disorder. Also called: AFF4-related condition.

gnomAD v4.1: 1 of 1,613,328 alleles (0.000062%); highest among the groups gnomAD compares: African/African-American, 0.0013%; no homozygotes.

Submission:

PreventionGenetics, part of Exact Sciences
Classification: Likely benign for AFF4-related condition. Last evaluated: 2023-03-02. Review status: no assertion criteria provided. Collection method: clinical testing. Allele origin: germline.
Comment: This variant is classified as likely benign based on ACMG/AMP sequence variant interpretation guidelines (Richards et al. 2015 PMID: 25741868, with internal and published modifications).